The following is an entry in ClinVar:

NM_000431.4(MVK):c.780C>T (p.Ile260=)

Gene: MVK (mevalonate kinase; plus strand). Cytogenetic location: 12q24.11.
Variant type: single nucleotide variant.
Coding change: c.780C>T on transcript NM_000431.4 (MANE Select); coding-DNA position 780, C replaced by T.
Protein change: p.Ile260=; no amino-acid change (isoleucine 260 retained).
Molecular consequence: synonymous variant.
Genome position (GRCh38, 1-based): chr12:109,591,252, C>T. VCF-style: chr12-109591252-C-T. GRCh37 (hg19) VCF-style: chr12-110029057-C-T.
Other names: c.780C>T, p.Ile260= (NM_001114185.3); c.624C>T, p.Ile208= (NM_001301182.2).
Identifiers: ClinVar variation 1125303 (VCV001125303.24), dbSNP rs34975996, ClinGen allele CA6779379.

ClinVar aggregate classification (germline): Likely benign. Review status: criteria provided, multiple submitters, no conflicts (2 of 4 stars). 3 submissions from 3 submitters: Likely benign (3). Last evaluated 2026-01-19.

Conditions:
Hyperimmunoglobulin D with periodic fever (HIDS). Also called: Hyperimmunoglobulinemia D; Hyperimmunoglobulinemia D with periodic fever; HYPERIMMUNOGLOBULINEMIA D AND PERIODIC FEVER SYNDROME. Identifiers: Orphanet 343, MedGen C0398691, MONDO:0009849, OMIM 260920.
Mevalonic aciduria (MEVA). Identifiers: Orphanet 29, MedGen C1959626, MONDO:0012481, OMIM 610377.
Porokeratosis 3, disseminated superficial actinic type (POROK3). Also called: POROKERATOSIS, DISSEMINATED SUPERFICIAL ACTINIC, 1; POROKERATOSIS 3, MULTIPLE TYPES; POROKERATOSIS 3, MIBELLI TYPE. Identifiers: MedGen C1867981, MONDO:0008293, OMIM 175900.

gnomAD v4.1: 55 of 1,614,086 alleles (0.0034%); highest among the groups gnomAD compares: African/African-American, 0.004%; no homozygotes.

Submissions (3):

Labcorp Genetics (formerly Invitae), Labcorp
Classification: Likely benign for Mevalonic aciduria; Hyperimmunoglobulin D with periodic fever; Porokeratosis 3, disseminated superficial actinic type. Last evaluated: 2026-01-19. Review status: criteria provided, single submitter. Criteria: Invitae Variant Classification Sherloc (09022015). Collection method: clinical testing. Allele origin: germline.

CeGaT Center for Human Genetics Tuebingen
Classification: Likely benign. Last evaluated: 2025-01-01. Review status: criteria provided, single submitter. Criteria: CeGaT Center For Human Genetics Tuebingen Variant Classification Criteria Version 2. Collection method: clinical testing. Allele origin: germline. Affected: yes. Observed: 2 variant alleles.
Comment: MVK: BP4, BP7

Blueprint Genetics
Classification: Likely benign. Last evaluated: 2023-10-14. Review status: criteria provided, single submitter. Criteria: ACMG Guidelines, 2015. Collection method: clinical testing. Allele origin: germline.